The following is an entry in ClinVar:

ClinVar aggregate classification (germline): Uncertain significance (1 of 4 stars; one submission).

Conditions:
Congenital disorder of deglycosylation (CDDG). Identifiers: MedGen C3808991, MONDO:0031376.

Submission:

Labcorp Genetics (formerly Invitae), Labcorp
Classification: Uncertain significance for Congenital disorder of deglycosylation. Last evaluated: 2021-08-31. Review status: criteria provided, single submitter. Criteria: Invitae Variant Classification Sherloc (09022015). Collection method: clinical testing. Allele origin: germline.
Comment: This variant, c.1033_1035del, results in the deletion of 1 amino acid(s) of the NGLY1 protein (p.Ser345del), but otherwise preserves the integrity of the reading frame. This variant is not present in population databases (ExAC no frequency). This variant has not been reported in the literature in individuals affected with NGLY1-related conditions. Experimental studies and prediction algorithms are not available or were not evaluated, and the functional significance of this variant is currently unknown. In summary, the available evidence is currently insufficient to determine the role of this variant in disease. Therefore, it has been classified as a Variant of Uncertain Significance.

NM_018297.4(NGLY1):c.1033_1035del (p.Ser345del)

Gene: NGLY1 (N-glycanase 1; minus strand). Cytogenetic location: 3p24.2.
Variant type: Deletion.
Coding change: c.1033_1035del on transcript NM_018297.4 (MANE Select); coding-DNA positions 1033 to 1035, 3 bases deleted (TCT; older notation c.1033_1035delTCT).
Protein change: p.Ser345del; deletes serine 345.
Molecular consequence: inframe deletion. On other transcripts: intron variant (1).
Genome position (GRCh38, 1-based): chr3:25,736,118-25,736,120, AGA deleted on the plus strand (TCT on the coding strand, the reverse complement: NGLY1 is on the minus strand); deleting any 3 consecutive bases within chr3:25,736,118-25,736,122 gives the same sequence; the c. name uses the placement nearest the transcript's 3' end. VCF-style (leftmost placement, unchanged base first): chr3-25736117-GAGA-G. GRCh37 (hg19) VCF-style: chr3-25777608-GAGA-G.
Other names: c.907_909del, p.Ser303del (NM_001145294.2); c.1033_1035del, p.Ser345del (NM_001145295.2); c.1095+189_1095+191del (NM_001145293.2); short protein forms S345del, S303del.
Identifiers: ClinVar variation 934081 (VCV000934081.4), dbSNP rs1705806467, ClinGen allele CA1139657919.